The following is an entry in ClinVar:

ClinVar aggregate classification (germline): Pathogenic. Review status: criteria provided, multiple submitters, no conflicts (2 of 4 stars). 8 submissions from 8 submitters: Pathogenic (8). Last evaluated 2025-07-31.

Conditions:
Hereditary nonpolyposis colon cancer (HNPCC). Also called: Hereditary nonpolyposis colorectal cancer; Familial nonpolyposis colon cancer; Hereditary Nonpolyposis Colorectal Cancer Syndrome. Identifiers: Orphanet 443909, MedGen C1333990, MONDO:0018630. Disease mechanism: loss of function.
Hereditary nonpolyposis colorectal neoplasms. Identifiers: MedGen C0009405, MeSH D003123.
Lynch syndrome. Identifiers: Orphanet 144, MedGen C4552100, MONDO:0005835. Disease mechanism: loss of function.
Hereditary cancer-predisposing syndrome. Also called: Neoplastic Syndromes, Hereditary; Tumor predisposition; Hereditary Cancer Syndrome; Hereditary neoplastic syndrome. Identifiers: Orphanet 140162, MedGen C0027672, MeSH D009386, MONDO:0015356.
Lynch syndrome 5 (LYNCH5). Also called: Colorectal cancer, hereditary nonpolyposis, type 5; Hereditary non-polyposis colorectal cancer, type 5. Identifiers: Orphanet 144, MedGen C1833477, MONDO:0013710, OMIM 614350. Disease mechanism: loss of function.

Submissions (8):

Labcorp Genetics (formerly Invitae), Labcorp
Classification: Pathogenic for Hereditary nonpolyposis colorectal neoplasms. Last evaluated: 2025-07-31. Review status: criteria provided, single submitter. Criteria: Invitae Variant Classification Sherloc (09022015). Collection method: clinical testing. Allele origin: germline.
Comment: This sequence change creates a premature translational stop signal (p.Pro1295Leufs*32) in the MSH6 gene. While this is not anticipated to result in nonsense mediated decay, it is expected to disrupt the last 66 amino acid(s) of the MSH6 protein. This variant is not present in population databases (gnomAD no frequency). This premature translational stop signal has been observed in individual(s) with Lynch syndrome (PMID: 28514183). Invitae Evidence Modeling of clinical and family history, age, sex, and reported ancestry of multiple individuals with this MSH6 variant has been performed. This variant is expected to be pathogenic with a positive predictive value of at least 99%. This is a validated machine learning model that incorporates the clinical features of 1,627,235 individuals referred to our laboratory for MSH6 testing. ClinVar contains an entry for this variant (Variation ID: 230870). Experimental studies and prediction algorithms are not available or were not evaluated, and the functional significance of this variant is currently unknown. This variant disrupts a region of the MSH6 protein in which other variant(s) (p.Leu1330Valfs*12) have been determined to be pathogenic (PMID: 19851887, 21155762). This suggests that this is a clinically significant region of the protein, and that variants that disrupt it are likely to be disease-causing. For these reasons, this variant has been classified as Pathogenic.

ARUP Laboratories, Molecular Genetics and Genomics, ARUP Laboratories
Classification: Pathogenic. Last evaluated: 2024-10-15. Review status: criteria provided, single submitter. Criteria: ARUP Molecular Germline Variant Investigation Process 2024. Collection method: clinical testing. Allele origin: germline.
Comment: The MSH6 c.3882del; p.Pro1295fs variant (rs876658817, ClinVar Variation ID: 230870) has been described in individuals with Lynch syndrome (Arnold 2020, Espenschied 2017, Roberts 2018). This variant is absent from the Genome Aggregation Database (v2.1.1), indicating it is not a common polymorphism. This variant causes a frameshift by deleting a single nucleotide; while this may not lead to nonsense-mediated decay, it is expected to create a truncated MSH6 protein that would include a sequence of 31 amino acid residues not usually present. This variant is located in the C-terminus of the MSH6 protein, and downstream truncating variants have been reported in individuals with Lynch syndrome (Goodfellow 2003, Jori 2015, Steinke 2008). Based on available information, p.Pro1295fs is considered pathogenic. REFERENCES Arnold AM et al. Targeted deep-intronic sequencing in a cohort of unexplained cases of suspected Lynch syndrome. Eur J Hum Genet. 2020 May;28(5):597-608. PMID: 31822864. Espenschied C et al. Multigene Panel Testing Provides a New Perspective on Lynch Syndrome. J Clin Oncol. 2017 Aug 1;35(22):2568-2575. PMID: 28514183. Goodfellow P et al. Prevalence of defective DNA mismatch repair and MSH6 mutation in an unselected series of endometrial cancers. Proc Natl Acad Sci U S A. 2003 May 13;100(10):5908-13. PMID: 12732731. Jori B et al. Germ-line variants identified by next generation sequencing in a panel of estrogen and cancer associated genes correlate with poor clinical outcome in Lynch syndrome patients. Oncotarget. 2015 Dec 1;6(38):41108-22. PMID: 26517685. Roberts M et al. MSH6 and PMS2 germ-line pathogenic variants implicated in Lynch syndrome are associated with breast cancer. Genet Med. 2018 Oct;20(10):1167-1174. PMID: 29345684. Steinke V et al. No association between MUTYH and MSH6 germline mutations in 64 HNPCC patients. Eur J Hum Genet. 2008 May;16(5):587-92. PMID: 18301448.

All of Us Research Program, National Institutes of Health
Classification: Pathogenic for Lynch syndrome. Last evaluated: 2024-03-24. Review status: criteria provided, single submitter. Criteria: ACMG Guidelines, 2015. Collection method: clinical testing. Allele origin: germline. Inheritance: Autosomal dominant inheritance. Observed: 1 variant allele, 1 heterozygote.
Comment: This variant deletes 1 nucleotide in exon 9 of the MSH6 gene, creating a frameshift and premature translation stop signal. This variant is expected to result in an absent or non-functional protein product. To our knowledge, this variant has not been reported in individuals affected with MSH6-related disorders in the literature. This variant has not been identified in the general population by the Genome Aggregation Database (gnomAD). Loss of MSH6 function is a known mechanism of disease. Based on the available evidence, this variant is classified as Pathogenic.

This study involves interpretation of variants in research participants for the purpose of population health screening. Participant phenotype was not available at the time of variant classification. Additional details can be found in publication PMID: 35346344, PMCID: PMC8962531

Color Diagnostics, LLC DBA Color Health
Classification: Pathogenic for Hereditary cancer-predisposing syndrome. Last evaluated: 2023-11-30. Review status: criteria provided, single submitter. Criteria: ACMG Guidelines, 2015. Collection method: clinical testing. Allele origin: germline.
Comment: This variant deletes 1 nucleotide in exon 9 of the MSH6 gene, creating a frameshift and premature translation stop signal. This variant is expected to result in an absent or non-functional protein product. To our knowledge, this variant has not been reported in individuals affected with MSH6-related disorders in the literature. This variant has not been identified in the general population by the Genome Aggregation Database (gnomAD). Loss of MSH6 function is a known mechanism of disease. Based on the available evidence, this variant is classified as Pathogenic.

Myriad Genetics, Inc.
Classification: Pathogenic for Lynch syndrome 5. Last evaluated: 2023-08-28. Review status: criteria provided, single submitter. Criteria: Myriad Autosomal Dominant, Autosomal Recessive and X-Linked Classification Criteria (2023). Collection method: clinical testing. Allele origin: unknown.
Comment: This variant is considered pathogenic. This variant creates a frameshift predicted to result in premature protein truncation.

Ambry Genetics
Classification: Pathogenic for Hereditary cancer-predisposing syndrome. Last evaluated: 2022-03-14. Review status: criteria provided, single submitter. Criteria: Ambry Variant Classification Scheme 2023. Collection method: clinical testing. Allele origin: germline.
Comment: The c.3882delT pathogenic mutation, located in coding exon 9 of the MSH6 gene, results from a deletion of one nucleotide at nucleotide position 3882, causing a translational frameshift with a predicted alternate stop codon (p.P1295Lfs*32). This alteration occurs at the 3' terminus of theMSH6 gene, is not expected to trigger nonsense-mediated mRNA decay, and only impacts the last 66 amino acids of the protein. However, premature stop codons are typically deleterious in nature and the impacted region is critical for protein function (Ambry internal data). As such, this alteration is interpreted as a disease-causing mutation.

GeneDx
Classification: Pathogenic. Last evaluated: 2019-08-08. Review status: criteria provided, single submitter. Criteria: GeneDx Variant Classification Process June 2021. Collection method: clinical testing. Allele origin: germline. Affected: yes.
Comment: Frameshift variant predicted to result in protein truncation or nonsense mediated decay in a gene for which loss-of-function is a known mechanism of disease; Observed in individuals with Lynch syndrome-related cancers (Roberts 2018); Truncating variants in this gene are considered pathogenic by a well-established clinical consortium and/or database; Not observed in large population cohorts (Lek 2016); This variant is associated with the following publications: (PMID: 29345684, 31822864)

Women's Health and Genetics/Laboratory Corporation of America, LabCorp
Classification: Pathogenic for Lynch syndrome. Last evaluated: 2019-02-01. Review status: criteria provided, single submitter. Criteria: LabCorp Variant Classification Summary - May 2015. Collection method: clinical testing. Allele origin: germline.
Comment: Variant summary: MSH6 c.3882delT (p.Pro1295LeufsX32) results in a premature termination codon, predicted to cause a truncation of the encoded protein or absence of the protein due to nonsense mediated decay, which are commonly known mechanisms for disease. Truncations downstream of this position have been classified as pathogenic by our laboratory (eg. c.3938_3941dupTTCA, p.Gln1314fsX6; c.3984_3987dupGTCA, p.Leu1330fsX12; c.3991C>T, p.Arg1331X). The variant was absent in 245664 control chromosomes (gnomAD). c.3882delT has been reported in the literature in an individual affected with endometrial cancer (Roberts_2018). To our knowledge, no experimental evidence demonstrating an impact on protein function has been reported. Two ClinVar submissions from clinical diagnostic laboratories (evaluation after 2014) cite the variant as pathogenic. Based on the evidence outlined above, the variant was classified as pathogenic.

Literature cited by the submitters: PubMed 28514183 (cited by Labcorp Genetics (formerly Invitae), Labcorp); PubMed 19851887 (cited by Labcorp Genetics (formerly Invitae), Labcorp); PubMed 21155762 (cited by Labcorp Genetics (formerly Invitae), Labcorp); PubMed 29345684 (cited by Women's Health and Genetics/Laboratory Corporation of America, LabCorp).

NM_000179.3(MSH6):c.3882del (p.Pro1295fs)

Gene: MSH6 (mutS homolog 6; plus strand). Cytogenetic location: 2p16.3.
Variant type: Deletion.
Coding change: c.3882del on transcript NM_000179.3 (MANE Select); coding-DNA position 3882, one base deleted (T; older notation c.3882delT).
Protein change: p.Pro1295fs; shifts the reading frame from proline 1295.
Molecular consequence: frameshift variant.
Genome position (GRCh38, 1-based): chr2:47,806,532, T deleted. VCF-style (leftmost placement, unchanged base first): chr2-47806531-GT-G. GRCh37 (hg19) VCF-style: chr2-48033670-GT-G.
Other names: c.3492del, p.Pro1165fs (NM_001281492.2); c.2976del, p.Pro993fs (NM_001281493.2, NM_001281494.2); c.3882delT (NM_000179.2); short protein forms P1295fs, P1165fs, P993fs.
Identifiers: ClinVar variation 230870 (VCV000230870.25), dbSNP rs876658817, ClinGen allele CA10578167.
Genomic context (GRCh38, chr2:47,806,531, plus strand): 5'-AATGTGAAGACCCCAGCCAGGAGACTATTACGTTCCTCTATAAATTCATTAAGGGAGCTT[GT>G]CCTAAAAGCTATGGCTTTAATGCAGCAAGGCTTGCTAATCTCCCAGAGGAAGTTATTCAA-3'